The following is an entry in ClinVar:

NM_001127511.3(APC):c.165+25302G>T

Gene: APC (APC regulator of Wnt signaling pathway; plus strand). Cytogenetic location: 5q22.2.
Variant type: single nucleotide variant.
Coding change: c.165+25302G>T on transcript NM_001127511.3; 25302 bases into the intron after coding-DNA position 165, G replaced by T.
Molecular consequence: intron variant.
Genome position (GRCh38, 1-based): chr5:112,733,184, G>T. VCF-style: chr5-112733184-G-T. GRCh37 (hg19) VCF-style: chr5-112068881-G-T.
Other names: c.-1053-21689G>T (NM_001407470.1, NM_001407472.1); c.-18-21689G>T (NM_001407447.1, NM_001354895.2, NM_001407456.1 and 7 more transcripts); c.165+25302G>T (NM_001407446.1, NM_001354897.2, NM_001354902.2); c.-43+25535G>T (NM_001407453.1).
Identifiers: ClinVar variation 82719 (VCV000082719.4), dbSNP rs76695774, ClinGen allele CA023573.

ClinVar aggregate classification (germline): other (0 of 4 stars; one submission).

Conditions:
Familial colorectal cancer. Identifiers: MedGen CN280943, MONDO:0023113. Disease mechanism: loss of function.

Submission:

Systems Biology Platform Zhejiang California International NanoSystems Institute
Classification: other for Familial colorectal cancer. Review status: no assertion criteria provided. Collection method: not provided. Allele origin: unknown.
ClinVar note: Converted during submission from cancer to other.